The following is an entry in ClinVar:

ClinVar aggregate classification (germline): Uncertain significance (1 of 4 stars; one submission).

Submission:

GeneDx
Classification: Uncertain significance. Last evaluated: 2024-08-17. Review status: criteria provided, single submitter. Criteria: GeneDx Variant Classification Process June 2021. Collection method: clinical testing. Allele origin: germline. Affected: yes.
Comment: Not observed at significant frequency in large population cohorts (gnomAD); Frameshift variant predicted to result in protein truncation or nonsense mediated decay in a gene for which loss-of-function is not an established mechanism of disease; Has not been previously published as pathogenic or benign to our knowledge

NM_139137.4(KCNC2):c.819del (p.Gln273fs)

Gene: KCNC2 (potassium voltage-gated channel subfamily C member 2; minus strand). Cytogenetic location: 12q21.1.
Variant type: Deletion.
Coding change: c.819del on transcript NM_139137.4 (MANE Select); coding-DNA position 819, one base deleted (G; older notation c.819delG).
Protein change: p.Gln273fs; shifts the reading frame from glutamine 273.
Molecular consequence: frameshift variant. On other transcripts: non-coding transcript variant (2).
Genome position (GRCh38, 1-based): chr12:75,051,186, C deleted on the plus strand (G on the coding strand, the reverse complement: KCNC2 is on the minus strand). VCF-style (leftmost placement, unchanged base first): chr12-75051185-AC-A. GRCh37 (hg19) VCF-style: chr12-75444965-AC-A.
Other names: c.819del, p.Gln273fs (NM_001260497.2, NM_001260498.2, NM_001260499.2 and 13 more transcripts); short protein forms Q273fs.
Identifiers: ClinVar variation 3731017 (VCV003731017.1).